The following is an entry in ClinVar:

NC_000007.13:g.(?_55214289)_(55214443_?)del

Gene: EGFR (epidermal growth factor receptor; plus strand). Cytogenetic location: 7p11.2.
Variant type: Deletion.
Identifiers: ClinVar variation 2425323 (VCV002425323.4).

ClinVar aggregate classification (germline): Uncertain significance (1 of 4 stars; one submission).

Conditions:
EGFR-related lung cancer (EGFR). Identifiers: MedGen CN130014.

Submission:

Labcorp Genetics (formerly Invitae), Labcorp
Classification: Uncertain significance for EGFR-related lung cancer. Last evaluated: 2022-04-06. Review status: criteria provided, single submitter. Criteria: Invitae Variant Classification Sherloc (09022015). Collection method: clinical testing. Allele origin: germline.
Comment: This variant is a gross deletion of the genomic region encompassing exon(s) 4 of the EGFR gene. This variant would be expected to be in-frame, preserving the integrity of the reading frame. This variant has not been reported in the literature in individuals affected with EGFR-related conditions. Experimental studies and prediction algorithms are not available or were not evaluated, and the functional significance of this variant is currently unknown. In summary, the available evidence is currently insufficient to determine the role of this variant in disease. Therefore, it has been classified as a Variant of Uncertain Significance.